The following is an entry in ClinVar:

NM_001288705.3(CSF1R):c.698T>A (p.Phe233Tyr)

Genes: CSF1R (colony stimulating factor 1 receptor; minus strand), LOC111188154 (RORalpha allelically-responsive CSF1R enhancer; plus strand). Cytogenetic location: 5q32.
Variant type: single nucleotide variant.
Coding change: c.698T>A on transcript NM_001288705.3 (MANE Select); coding-DNA position 698, T replaced by A.
Protein change: p.Phe233Tyr; replaces phenylalanine 233 with tyrosine.
Molecular consequence: missense variant. On other transcripts: non-coding transcript variant (2).
Genome position (GRCh38, 1-based): chr5:150,078,143, A>T on the plus strand (T>A on the coding strand, the complement: CSF1R is on the minus strand). VCF-style: chr5-150078143-A-T. GRCh37 (hg19) VCF-style: chr5-149457706-A-T.
Other names: c.698T>A, p.Phe233Tyr (NM_001349736.2, NM_001375320.1, NM_005211.4); c.254T>A, p.Phe85Tyr (NM_001375321.1); short protein forms F85Y, F233Y.
Identifiers: ClinVar variation 2124385 (VCV002124385.4), dbSNP rs1758356639, ClinGen allele CA361730154.

ClinVar aggregate classification (germline): Uncertain significance (1 of 4 stars; one submission).

Allele frequency attached by ClinVar (database versions not stated): TOPMed below 0.00001.

Submission:

Labcorp Genetics (formerly Invitae), Labcorp
Classification: Uncertain significance. Last evaluated: 2022-10-13. Review status: criteria provided, single submitter. Criteria: Invitae Variant Classification Sherloc (09022015). Collection method: clinical testing. Allele origin: germline.
Comment: In summary, the available evidence is currently insufficient to determine the role of this variant in disease. Therefore, it has been classified as a Variant of Uncertain Significance. Advanced modeling of protein sequence and biophysical properties (such as structural, functional, and spatial information, amino acid conservation, physicochemical variation, residue mobility, and thermodynamic stability) performed at Invitae indicates that this missense variant is not expected to disrupt CSF1R protein function. This sequence change replaces phenylalanine, which is neutral and non-polar, with tyrosine, which is neutral and polar, at codon 233 of the CSF1R protein (p.Phe233Tyr). This variant is not present in population databases (gnomAD no frequency). This variant has not been reported in the literature in individuals affected with CSF1R-related conditions.